The following is an entry in ClinVar:

NM_001365068.1(ASTN2):c.2889G>A (p.Met963Ile)

Gene: ASTN2 (astrotactin 2; minus strand). Cytogenetic location: 9q33.1.
Variant type: single nucleotide variant.
Coding change: c.2889G>A on transcript NM_001365068.1 (MANE Select); coding-DNA position 2889, G replaced by A.
Protein change: p.Met963Ile; replaces methionine 963 with isoleucine.
Molecular consequence: missense variant.
Genome position (GRCh38, 1-based): chr9:116,651,711, C>T on the plus strand (G>A on the coding strand, the complement: ASTN2 is on the minus strand). VCF-style: chr9-116651711-C-T. GRCh37 (hg19) VCF-style: chr9-119413990-C-T.
Other names: c.45G>A, p.Met15Ile (NM_001184734.1, NM_001184735.1, NM_198187.3 and 1 more transcripts); c.2877G>A, p.Met959Ile (NM_001365069.1); c.2736G>A, p.Met912Ile (NM_014010.5); c.192G>A, p.Met64Ile (NM_198186.3); short protein forms M64I, M912I, M959I, M963I, M15I.
Identifiers: ClinVar variation 718550 (VCV000718550.28), dbSNP rs144337233, ClinGen allele CA5210837.

ClinVar aggregate classification (germline): Likely benign. Review status: criteria provided, multiple submitters, no conflicts (2 of 4 stars). 3 submissions from 3 submitters: Likely benign (3). Last evaluated 2025-05-01.

Allele frequency attached by ClinVar (database versions not stated): ESP Exome Variant Server 0.00038; gnomAD 0.00048 and 0.00079; TOPMed 0.00049; gnomAD exomes 0.00100 and 0.00149; 1000 Genomes Project 0.00160; ExAC 0.00169; 1000 Genomes Project 30x 0.00172.
gnomAD v4.1: 1,592 of 1,614,172 alleles (0.099%); highest among the groups gnomAD compares: Middle Eastern, 0.82%; 14 homozygotes.

Submissions (3):

CeGaT Center for Human Genetics Tuebingen
Classification: Likely benign. Last evaluated: 2025-05-01. Review status: criteria provided, single submitter. Criteria: CeGaT Center For Human Genetics Tuebingen Variant Classification Criteria Version 2. Collection method: clinical testing. Allele origin: germline. Affected: yes. Observed: 5 variant alleles.
Comment: ASTN2: BS1

Labcorp Genetics (formerly Invitae), Labcorp
Classification: Likely benign. Last evaluated: 2018-05-31. Review status: criteria provided, single submitter. Criteria: Invitae Variant Classification Sherloc (09022015). Collection method: clinical testing. Allele origin: germline.

Breakthrough Genomics
Classification: Likely benign. Review status: criteria provided, single submitter. Criteria: ACMG Guidelines, 2015. Collection method: not provided. Allele origin: germline. Inheritance: Unknown mechanism. Affected: yes.